The following is an entry in ClinVar:

NM_014846.4(WASHC5):c.655G>A (p.Glu219Lys)

Gene: WASHC5 (WASH complex subunit 5; minus strand). Cytogenetic location: 8q24.13.
Variant type: single nucleotide variant.
Coding change: c.655G>A on transcript NM_014846.4 (MANE Select); coding-DNA position 655, G replaced by A.
Protein change: p.Glu219Lys; replaces glutamic acid 219 with lysine.
Molecular consequence: missense variant.
Genome position (GRCh38, 1-based): chr8:125,078,794, C>T on the plus strand (G>A on the coding strand, the complement: WASHC5 is on the minus strand). VCF-style: chr8-125078794-C-T. GRCh37 (hg19) VCF-style: chr8-126091036-C-T.
Other names: c.211G>A, p.Glu71Lys (NM_001330609.2); short protein forms E219K, E71K.
Identifiers: ClinVar variation 240930 (VCV000240930.17), dbSNP rs143719918, ClinGen allele CA4874056.
Genomic context (GRCh38, chr8:125,078,794, plus strand): 5'-CCACCTGGTTGTAAATATCATCAGATCTCAGTCGACCAATGACCATACTGATGAAGGATT[C>T]GTTGATAGGCACTCTCTGGAAATAGCTCTCGGGATAGTTGGATGGTCTTTTGGCACCTGG-3'
Protein context (NP_055661.3, residues 209-229): ESYFQRVPIN[Glu219Lys]SFISMVIGRL

ClinVar aggregate classification (germline): Benign/Likely benign. Review status: criteria provided, multiple submitters, no conflicts (2 of 4 stars). 5 submissions from 5 submitters: Benign (3); Likely benign (1). 1 of the submissions does not count toward it. Last evaluated 2026-07-01.

Conditions:
WASHC5-related disorder. Also called: WASHC5-related condition.
Hereditary spastic paraplegia 8 (SPG8). Also called: SPASTIC PARAPLEGIA 8, AUTOSOMAL DOMINANT. Identifiers: Orphanet 100989, MedGen C1863704, MONDO:0011339, OMIM 603563.
Ritscher-Schinzel syndrome. Also called: CRANIOCEREBELLOCARDIAC DYSPLASIA. Identifiers: Orphanet 7, MedGen C0796137, MONDO:0019078.

Allele frequency attached by ClinVar (database versions not stated): gnomAD exomes 0.00014; ExAC 0.00040; 1000 Genomes Project 0.00060; 1000 Genomes Project 30x 0.00078; gnomAD 0.00114 and 0.00127; TOPMed 0.00122; ESP Exome Variant Server 0.00146.
gnomAD v4.1: 376 of 1,613,916 alleles (0.023%); highest among the groups gnomAD compares: African/African-American, 0.45%; 2 homozygotes.

Submissions (5):

CeGaT Center for Human Genetics Tuebingen
Classification: Likely benign. Last evaluated: 2026-07-01. Review status: criteria provided, single submitter. Criteria: CeGaT Center For Human Genetics Tuebingen Variant Classification Criteria Version 2. Collection method: clinical testing. Allele origin: germline. Affected: yes. Observed: 2 variant alleles.
Comment: WASHC5: BP4, BS2

Labcorp Genetics (formerly Invitae), Labcorp
Classification: Benign for Ritscher-Schinzel syndrome; Hereditary spastic paraplegia 8. Last evaluated: 2026-01-15. Review status: criteria provided, single submitter. Criteria: Invitae Variant Classification Sherloc (09022015). Collection method: clinical testing. Allele origin: germline.

Illumina Laboratory Services, Illumina
Classification: Benign for Hereditary spastic paraplegia 8. Last evaluated: 2018-01-12. Review status: criteria provided, single submitter. Criteria: ICSL Variant Classification Criteria 13 December 2019. Collection method: clinical testing. Allele origin: germline.
Comment: This variant was observed in the ICSL laboratory as part of a predisposition screen in an ostensibly healthy population. It had not been previously curated by ICSL or reported in the Human Gene Mutation Database (HGMD: prior to June 1st, 2018), and was therefore a candidate for classification through an automated scoring system. Utilizing variant allele frequency, disease prevalence and penetrance estimates, and inheritance mode, an automated score was calculated to assess if this variant is too frequent to cause the disease. Based on the score and internal cut-off values, a variant classified as benign is not then subjected to further curation. The score for this variant resulted in a classification of benign for this disease.

Breakthrough Genomics
Classification: Benign. Review status: criteria provided, single submitter. Criteria: ACMG Guidelines, 2015. Collection method: not provided. Allele origin: germline. Inheritance: Autosomal recessive inheritance. Affected: yes.

PreventionGenetics, part of Exact Sciences
Classification: Likely benign for WASHC5-related condition. Last evaluated: 2022-03-03. Review status: no assertion criteria provided. Collection method: clinical testing. Allele origin: germline. Not counted in ClinVar's aggregate classification.
Comment: This variant is classified as likely benign based on ACMG/AMP sequence variant interpretation guidelines (Richards et al. 2015 PMID: 25741868, with internal and published modifications).